The following is an entry in ClinVar:

NM_001032283.3(TMPO):c.565+1078A>G

Gene: TMPO (thymopoietin; plus strand). Cytogenetic location: 12q23.1.
Variant type: single nucleotide variant.
Coding change: c.565+1078A>G on transcript NM_001032283.3 (MANE Select); 1078 bases into the intron after coding-DNA position 565, A replaced by G.
Molecular consequence: intron variant. On other transcripts: missense variant (1).
Genome position (GRCh38, 1-based): chr12:98,532,916, A>G. VCF-style: chr12-98532916-A-G. GRCh37 (hg19) VCF-style: chr12-98926694-A-G.
Other names: c.659A>G, p.Gln220Arg (NM_003276.2); c.565+1078A>G (NM_001307975.2, NM_001032284.3); short protein forms Q220R.
Identifiers: ClinVar variation 536980 (VCV000536980.9), dbSNP rs774074641, ClinGen allele CA6732261.
Genomic context (GRCh38, chr12:98,532,916, plus strand): 5'-CTAGGGATATTGTTCCTTTTTCTGAACTTGGAACTACTCCCTCTGGTGGTGGATTTTTTC[A>G]GGGTATTTCTTTTCCTGAAATCTCCACCCGTCCTCCTTTGGGCAGTACCGAACTACAGGC-3'

ClinVar aggregate classification (germline): Uncertain significance (1 of 4 stars; one submission).

Conditions:
Loeys-Dietz syndrome 2 (LDS2). Also called: AORTIC ANEURYSM, FAMILIAL THORACIC 3; MARFAN SYNDROME, TYPE II; Marfan syndrome, type 2 (formerly); TGFBR2-Related Loeys-Dietz Syndrome; Marfan Syndrome type 2; Marfan like connective tissue disorder. Identifiers: Orphanet 284973, Orphanet 558, MedGen C2674574, MONDO:0012427, OMIM 610168.

Allele frequency attached by ClinVar (database versions not stated): gnomAD exomes 0.00001; ExAC 0.00002; gnomAD 0.00002; TOPMed 0.00002.
gnomAD v4.1: 13 of 1,613,978 alleles (0.00081%); highest among the groups gnomAD compares: South Asian, 0.0011%; no homozygotes.

Submission:

Labcorp Genetics (formerly Invitae), Labcorp
Classification: Uncertain significance for Loeys-Dietz syndrome 2. Last evaluated: 2024-12-30. Review status: criteria provided, single submitter. Criteria: Invitae Variant Classification Sherloc (09022015). Collection method: clinical testing. Allele origin: germline.
Comment: This sequence change replaces glutamine, which is neutral and polar, with arginine, which is basic and polar, at codon 220 of the TMPO protein (p.Gln220Arg). This variant is present in population databases (rs774074641, gnomAD 0.003%). This variant has not been reported in the literature in individuals affected with TMPO-related conditions. ClinVar contains an entry for this variant (Variation ID: 536980). Invitae Evidence Modeling of protein sequence and biophysical properties (such as structural, functional, and spatial information, amino acid conservation, physicochemical variation, residue mobility, and thermodynamic stability) indicates that this missense variant is not expected to disrupt TMPO protein function with a negative predictive value of 80%. In summary, the available evidence is currently insufficient to determine the role of this variant in disease. Therefore, it has been classified as a Variant of Uncertain Significance.